The following is an entry in ClinVar:

ClinVar aggregate classification (germline): Conflicting classifications of pathogenicity. Review status: criteria provided, conflicting classifications (1 of 4 stars). 4 submissions from 4 submitters: Uncertain significance (1); Likely benign (2). 1 of the submissions does not count toward it. Last evaluated 2025-08-28.

Conditions:
PXDNL-related disorder. Also called: PXDNL-related condition.

Allele frequency attached by ClinVar (database versions not stated): 1000 Genomes Project 30x 0.00187; 1000 Genomes Project 0.00200; TOPMed 0.00235; ESP Exome Variant Server 0.00240.
gnomAD v4.1: 543 of 1,613,852 alleles (0.034%); highest among the groups gnomAD compares: African/African-American, 0.64%; 5 homozygotes.

Submissions (4):

Ambry Genetics
Classification: Uncertain significance. Last evaluated: 2025-08-28. Review status: criteria provided, single submitter. Criteria: Ambry Variant Classification Scheme 2023. Collection method: clinical testing. Allele origin: germline.

Labcorp Genetics (formerly Invitae), Labcorp
Classification: Likely benign. Last evaluated: 2018-06-18. Review status: criteria provided, single submitter. Criteria: Invitae Variant Classification Sherloc (09022015). Collection method: clinical testing. Allele origin: germline.

Breakthrough Genomics
Classification: Likely benign. Review status: criteria provided, single submitter. Criteria: ACMG Guidelines, 2015. Collection method: not provided. Allele origin: germline. Inheritance: Unknown mechanism. Affected: yes.

PreventionGenetics, part of Exact Sciences
Classification: Benign for PXDNL-related condition. Last evaluated: 2019-09-17. Review status: no assertion criteria provided. Collection method: clinical testing. Allele origin: germline. Not counted in ClinVar's aggregate classification.
Comment: This variant is classified as benign based on ACMG/AMP sequence variant interpretation guidelines (Richards et al. 2015 PMID: 25741868, with internal and published modifications).

NM_144651.5(PXDNL):c.1675G>T (p.Val559Leu)

Gene: PXDNL (peroxidasin like; minus strand). Cytogenetic location: 8q11.22.
Variant type: single nucleotide variant.
Coding change: c.1675G>T on transcript NM_144651.5 (MANE Select); coding-DNA position 1675, G replaced by T.
Protein change: p.Val559Leu; replaces valine 559 with leucine.
Molecular consequence: missense variant.
Genome position (GRCh38, 1-based): chr8:51,423,695, C>A on the plus strand (G>T on the coding strand, the complement: PXDNL is on the minus strand). VCF-style: chr8-51423695-C-A. GRCh37 (hg19) VCF-style: chr8-52336255-C-A.
Other names: short protein forms V559L.
Identifiers: ClinVar variation 780751 (VCV000780751.7), dbSNP rs148872370, ClinGen allele CA4745283.
Genomic context (GRCh38, chr8:51,423,695, plus strand): 5'-CATATCTTCCCTGGTCAGGGAACCCTGCGTCGTAGATAGTCAGCGTGCCTTCATCATCCA[C>A]ATGGAATTTACCACTCTCAGTAATCTGCACACCTTCCTAGGGAGCAAAAAAGAGTTGCCA-3'
Protein context (NP_653252.4, residues 549-569): VQITESGKFH[Val559Leu]DDEGTLTIYD